The following is an entry in ClinVar:

ClinVar aggregate classification (germline): Uncertain significance. Review status: criteria provided, multiple submitters, no conflicts (2 of 4 stars). 2 submissions from 2 submitters: Uncertain significance (2). Last evaluated 2021-10-02.

Allele frequency attached by ClinVar (database versions not stated): gnomAD exomes 0.00001 and 0.00002; ExAC 0.00002; ESP Exome Variant Server 0.00008.

Submissions (2):

Labcorp Genetics (formerly Invitae), Labcorp
Classification: Uncertain significance. Last evaluated: 2021-10-02. Review status: criteria provided, single submitter. Criteria: Invitae Variant Classification Sherloc (09022015). Collection method: clinical testing. Allele origin: germline.
Comment: This sequence change replaces threonine with isoleucine at codon 210 of the RAB28 protein (p.Thr210Ile). The threonine residue is weakly conserved and there is a moderate physicochemical difference between threonine and isoleucine. This variant is present in population databases (rs369105500, ExAC 0.02%). This variant has not been reported in the literature in individuals affected with RAB28-related conditions. Algorithms developed to predict the effect of missense changes on protein structure and function are either unavailable or do not agree on the potential impact of this missense change (SIFT: "Deleterious"; PolyPhen-2: "Benign"; Align-GVGD: "Class C15"). In summary, the available evidence is currently insufficient to determine the role of this variant in disease. Therefore, it has been classified as a Variant of Uncertain Significance.

Breakthrough Genomics
Classification: Uncertain significance. Review status: criteria provided, single submitter. Criteria: ACMG Guidelines, 2015. Collection method: not provided. Allele origin: germline. Inheritance: Autosomal recessive inheritance. Affected: yes.

NM_004249.4(RAB28):c.629C>T (p.Thr210Ile)

Gene: RAB28 (RAB28, member RAS oncogene family; minus strand). Cytogenetic location: 4p15.33.
Variant type: single nucleotide variant.
Coding change: c.629C>T on transcript NM_004249.4 (MANE Plus Clinical); coding-DNA position 629, C replaced by T.
Protein change: p.Thr210Ile; replaces threonine 210 with isoleucine.
Molecular consequence: missense variant. On other transcripts: intron variant (2).
Genome position (GRCh38, 1-based): chr4:13,369,910, G>A on the plus strand (C>T on the coding strand, the complement: RAB28 is on the minus strand). VCF-style: chr4-13369910-G-A. GRCh37 (hg19) VCF-style: chr4-13371534-G-A.
Other names: c.574-1260C>T (NM_001017979.3); c.*32-1260C>T (NM_001159601.2); short protein forms T210I.
Identifiers: ClinVar variation 1366857 (VCV001366857.4), dbSNP rs369105500, ClinGen allele CA2859983.